The following is an entry in ClinVar:

NM_001374736.1(DST):c.17555A>G (p.Tyr5852Cys)

Gene: DST (dystonin; minus strand). Cytogenetic location: 6p12.1.
Variant type: single nucleotide variant.
Coding change: c.17555A>G on transcript NM_001374736.1 (MANE Select); coding-DNA position 17555, A replaced by G.
Protein change: p.Tyr5852Cys; replaces tyrosine 5852 with cysteine.
Molecular consequence: missense variant. On other transcripts: intron variant (2).
Genome position (GRCh38, 1-based): chr6:56,529,488, T>C on the plus strand (A>G on the coding strand, the complement: DST is on the minus strand). VCF-style: chr6-56529488-T-C. GRCh37 (hg19) VCF-style: chr6-56394286-T-C.
Other names: c.11198A>G, p.Tyr3733Cys (NM_001144769.5); c.10784A>G, p.Tyr3595Cys (NM_001144770.2); c.17555A>G, p.Tyr5852Cys (NM_001374722.1); c.17582A>G, p.Tyr5861Cys (NM_001374734.1); c.9686A>G, p.Tyr3229Cys (NM_015548.5); c.10664A>G, p.Tyr3555Cys (NM_183380.4); c.10377+486A>G (NM_001374730.1); c.16635+486A>G (NM_001374729.1); short protein forms Y5852C, Y5861C, Y3595C, Y3229C, Y3555C, Y3733C.
Identifiers: ClinVar variation 970022 (VCV000970022.10), dbSNP rs757046386, ClinGen allele CA3867418.

ClinVar aggregate classification (germline): Uncertain significance (1 of 4 stars; one submission).

Conditions:
Epidermolysis bullosa simplex 3, localized or generalized intermediate, with BP230 deficiency (EBS3). Also called: Epidermolysis bullosa simplex, autosomal recessive 2; Epidermolysis bullosa simplex due to BP230 deficiency. Identifiers: Orphanet 412181, MedGen C3809470, MONDO:0014180, OMIM 615425.
Hereditary sensory and autonomic neuropathy type 6. Also called: Neuropathy, hereditary sensory and autonomic, type VI; HSAN VI. Identifiers: Orphanet 314381, MedGen C3539003, MONDO:0013839, OMIM 614653.

Allele frequency attached by ClinVar (database versions not stated): TOPMed below 0.00001; gnomAD 0.00001; gnomAD exomes 0.00001; ExAC 0.00002.
gnomAD v4.1: 10 of 1,590,890 alleles (0.00063%); highest among the groups gnomAD compares: African/African-American, 0.0013%; no homozygotes.

Submission:

Labcorp Genetics (formerly Invitae), Labcorp
Classification: Uncertain significance for Epidermolysis bullosa simplex 3, localized or generalized intermediate, with BP230 deficiency; Hereditary sensory and autonomic neuropathy type 6. Last evaluated: 2022-10-18. Review status: criteria provided, single submitter. Criteria: Invitae Variant Classification Sherloc (09022015). Collection method: clinical testing. Allele origin: germline.
Comment: The DST gene has multiple clinically relevant transcripts. This variant occurs in alternate transcript NM_015548.4, and corresponds to NM_001723.5:c.*86029A>G in the primary transcript. This sequence change replaces tyrosine, which is neutral and polar, with cysteine, which is neutral and slightly polar, at codon 3229 of the DST protein (p.Tyr3229Cys). This variant is present in population databases (rs757046386, gnomAD 0.002%). This variant has not been reported in the literature in individuals affected with DST-related conditions. Algorithms developed to predict the effect of missense changes on protein structure and function output the following: SIFT: "Not Available"; PolyPhen-2: "Not Available"; Align-GVGD: "Not Available". The cysteine amino acid residue is found in multiple mammalian species, which suggests that this missense change does not adversely affect protein function. In summary, the available evidence is currently insufficient to determine the role of this variant in disease. Therefore, it has been classified as a Variant of Uncertain Significance.